The following is an entry in ClinVar:

ClinVar aggregate classification (germline): Benign. Review status: criteria provided, multiple submitters, no conflicts (2 of 4 stars). 2 submissions from 2 submitters: Benign (2). Last evaluated 2018-06-19.

Allele frequency attached by ClinVar (database versions not stated): gnomAD exomes 0.71026; 1000 Genomes Project 0.82528; 1000 Genomes Project 30x 0.82589; TOPMed 0.74928.
gnomAD v4.1: 373,055 of 519,220 alleles (72%); highest among the groups gnomAD compares: East Asian, 95%; 135,946 homozygotes.

Submissions (2):

GeneDx
Classification: Benign. Last evaluated: 2018-06-19. Review status: criteria provided, single submitter. Criteria: GeneDx Variant Classification (06012015). Collection method: clinical testing. Allele origin: germline. Affected: yes.
Comment: This variant is considered likely benign or benign based on one or more of the following criteria: it is a conservative change, it occurs at a poorly conserved position in the protein, it is predicted to be benign by multiple in silico algorithms, and/or has population frequency not consistent with disease.

Breakthrough Genomics
Classification: Benign. Review status: criteria provided, single submitter. Criteria: ACMG Guidelines, 2015. Collection method: not provided. Allele origin: germline. Inheritance: Unknown mechanism. Affected: yes.

NM_015506.2(MMACHC):c.-302G>T

Genes: CCDC163 (CCDC163 homolog; minus strand), MMACHC (metabolism of cobalamin associated C; plus strand). Cytogenetic location: 1p34.1.
Variant type: single nucleotide variant.
Coding change: c.-302G>T on transcript NM_015506.2; 302 bases upstream of the start codon, G replaced by T.
Molecular consequence: 5 prime UTR variant (on NM_001102601.3). On other transcripts: non-coding transcript variant (6).
Genome position (GRCh38, 1-based): chr1:45,500,031, G>T. VCF-style: chr1-45500031-G-T. GRCh37 (hg19) VCF-style: chr1-45965703-G-T.
Other names: c.-422C>A (NM_001102601.3, NM_001358406.2, NM_001358407.2).
Identifiers: ClinVar variation 684370 (VCV000684370.4), dbSNP rs3748643, ClinGen allele CA10670727.